The following is an entry in ClinVar:

NM_007227.3(GPR45):c.119T>C (p.Val40Ala)

Gene: GPR45 (G protein-coupled receptor 45; plus strand). Cytogenetic location: 2q12.1.
Variant type: single nucleotide variant.
Coding change: c.119T>C on transcript NM_007227.3 (MANE Select); coding-DNA position 119, T replaced by C.
Protein change: p.Val40Ala; replaces valine 40 with alanine.
Molecular consequence: missense variant.
Genome position (GRCh38, 1-based): chr2:105,241,977, T>C. VCF-style: chr2-105241977-T-C. GRCh37 (hg19) VCF-style: chr2-105858434-T-C.
Other names: short protein forms V40A.
Identifiers: ClinVar variation 2384491 (VCV002384491.8), dbSNP rs139229733, ClinGen allele CA1813523.

ClinVar aggregate classification (germline): Uncertain significance. Review status: criteria provided, multiple submitters, no conflicts (2 of 4 stars). 2 submissions from 2 submitters: Uncertain significance (2). Last evaluated 2025-02-15.

Allele frequency attached by ClinVar (database versions not stated): gnomAD 0.00005; ExAC 0.00006; TOPMed 0.00006; gnomAD exomes 0.00012; ESP Exome Variant Server 0.00023.

Submissions (2):

Labcorp Genetics (formerly Invitae), Labcorp
Classification: Uncertain significance. Last evaluated: 2025-02-15. Review status: criteria provided, single submitter. Criteria: Invitae Variant Classification Sherloc (09022015). Collection method: clinical testing. Allele origin: germline.
Comment: This sequence change replaces valine, which is neutral and non-polar, with alanine, which is neutral and non-polar, at codon 40 of the GPR45 protein (p.Val40Ala). This variant is present in population databases (rs139229733, gnomAD 0.007%). This variant has not been reported in the literature in individuals affected with GPR45-related conditions. ClinVar contains an entry for this variant (Variation ID: 2384491). An algorithm developed to predict the effect of missense changes on protein structure and function outputs the following: PolyPhen-2: "Benign". The alanine amino acid residue is found in multiple mammalian species, which suggests that this missense change does not adversely affect protein function. In summary, the available evidence is currently insufficient to determine the role of this variant in disease. Therefore, it has been classified as a Variant of Uncertain Significance.

Ambry Genetics
Classification: Uncertain significance. Last evaluated: 2021-10-14. Review status: criteria provided, single submitter. Criteria: Ambry Variant Classification Scheme 2023. Collection method: clinical testing. Allele origin: germline.